The following is an entry in ClinVar:

ClinVar aggregate classification (germline): Uncertain significance (1 of 4 stars; one submission).

Allele frequency attached by ClinVar (database versions not stated): TOPMed below 0.00001.

Submission:

Labcorp Genetics (formerly Invitae), Labcorp
Classification: Uncertain significance. Last evaluated: 2022-06-07. Review status: criteria provided, single submitter. Criteria: Invitae Variant Classification Sherloc (09022015). Collection method: clinical testing. Allele origin: germline.
Comment: This sequence change replaces glycine, which is neutral and non-polar, with aspartic acid, which is acidic and polar, at codon 647 of the RTTN protein (p.Gly647Asp). This variant is not present in population databases (gnomAD no frequency). This variant has not been reported in the literature in individuals affected with RTTN-related conditions. Algorithms developed to predict the effect of missense changes on protein structure and function are either unavailable or do not agree on the potential impact of this missense change (SIFT: "Tolerated"; PolyPhen-2: "Possibly Damaging"; Align-GVGD: "Class C0"). In summary, the available evidence is currently insufficient to determine the role of this variant in disease. Therefore, it has been classified as a Variant of Uncertain Significance.

NM_173630.4(RTTN):c.1940G>A (p.Gly647Asp)

Gene: RTTN (rotatin; minus strand). Cytogenetic location: 18q22.2.
Variant type: single nucleotide variant.
Coding change: c.1940G>A on transcript NM_173630.4 (MANE Select); coding-DNA position 1940, G replaced by A.
Protein change: p.Gly647Asp; replaces glycine 647 with aspartic acid.
Molecular consequence: missense variant. On other transcripts: 5 prime UTR variant (1).
Genome position (GRCh38, 1-based): chr18:70,150,723, C>T on the plus strand (G>A on the coding strand, the complement: RTTN is on the minus strand). VCF-style: chr18-70150723-C-T. GRCh37 (hg19) VCF-style: chr18-67817959-C-T.
Other names: c.-708G>A (NM_001318520.2); short protein forms G647D.
Identifiers: ClinVar variation 1953864 (VCV001953864.5), dbSNP rs2060514918, ClinGen allele CA402696862.